The following is an entry in ClinVar:

ClinVar aggregate classification (germline): Pathogenic (1 of 4 stars; one submission).

Conditions:
Multiple congenital exostosis (EXT). Also called: Hereditary multiple exostoses; Hereditary multiple exostosis; MULTIPLE CARTILAGINOUS EXOSTOSES; Multiple osteochondromas; Multiple exostoses; Hereditary multiple osteochondromas. Identifiers: Orphanet 321, MedGen C0015306, MONDO:0005508, HP:0002762.

Submission:

Labcorp Genetics (formerly Invitae), Labcorp
Classification: Pathogenic for Multiple congenital exostosis. Last evaluated: 2022-06-27. Review status: criteria provided, single submitter. Criteria: Invitae Variant Classification Sherloc (09022015). Collection method: clinical testing. Allele origin: germline.
Comment: For these reasons, this variant has been classified as Pathogenic. This premature translational stop signal has been observed in individual(s) with EXT1-related conditions (PMID: 22820392, 24496678). This variant is not present in population databases (gnomAD no frequency). This sequence change creates a premature translational stop signal (p.Ile127Serfs*9) in the EXT1 gene. It is expected to result in an absent or disrupted protein product. Loss-of-function variants in EXT1 are known to be pathogenic (PMID: 10679937, 11391482, 19810120).

Literature cited by the submitters: PubMed 22820392; PubMed 24496678; PubMed 10679937; PubMed 11391482; PubMed 19810120.

NM_000127.3(EXT1):c.379del (p.Ile127fs)

Gene: EXT1 (exostosin glycosyltransferase 1; minus strand). Cytogenetic location: 8q24.11.
Variant type: Deletion.
Coding change: c.379del on transcript NM_000127.3 (MANE Select); coding-DNA position 379, one base deleted (A; older notation c.379delA).
Protein change: p.Ile127fs; shifts the reading frame from isoleucine 127.
Molecular consequence: frameshift variant.
Genome position (GRCh38, 1-based): chr8:118,110,668, T deleted on the plus strand (A on the coding strand, the reverse complement: EXT1 is on the minus strand); the first of 4 consecutive T bases (chr8:118,110,668-118,110,671); deleting any one gives the same sequence. VCF-style (leftmost placement, unchanged base first): chr8-118110667-AT-A. GRCh37 (hg19) VCF-style: chr8-119122906-AT-A.
Other names: short protein forms I127fs.
Identifiers: ClinVar variation 2011569 (VCV002011569.4), dbSNP rs2488052228, ClinGen allele CA2580078561.